The following is an entry in ClinVar:

ClinVar aggregate classification (germline): Uncertain significance (1 of 4 stars; one submission).

Conditions:
Epileptic encephalopathy. Identifiers: MedGen C0543888, HP:0200134.

Allele frequency attached by ClinVar (database versions not stated): gnomAD exomes below 0.00001.
gnomAD v4.1: 2 of 1,613,740 alleles (0.00012%); highest among the groups gnomAD compares: Non-Finnish European, 0.00017%; no homozygotes.

Submission:

Labcorp Genetics (formerly Invitae), Labcorp
Classification: Uncertain significance for Epileptic encephalopathy. Last evaluated: 2022-12-02. Review status: criteria provided, single submitter. Criteria: Invitae Variant Classification Sherloc (09022015). Collection method: clinical testing. Allele origin: germline.
Comment: This variant is not present in population databases (gnomAD no frequency). This variant has not been reported in the literature in individuals affected with RYR3-related conditions. ClinVar contains an entry for this variant (Variation ID: 934225). Advanced modeling of protein sequence and biophysical properties (such as structural, functional, and spatial information, amino acid conservation, physicochemical variation, residue mobility, and thermodynamic stability) performed at Invitae indicates that this missense variant is not expected to disrupt RYR3 protein function. In summary, the available evidence is currently insufficient to determine the role of this variant in disease. Therefore, it has been classified as a Variant of Uncertain Significance. This sequence change replaces tryptophan, which is neutral and slightly polar, with leucine, which is neutral and non-polar, at codon 1391 of the RYR3 protein (p.Trp1391Leu).

NM_001036.6(RYR3):c.4172G>T (p.Trp1391Leu)

Gene: RYR3 (ryanodine receptor 3; plus strand). Cytogenetic location: 15q14.
Variant type: single nucleotide variant.
Coding change: c.4172G>T on transcript NM_001036.6 (MANE Select); coding-DNA position 4172, G replaced by T.
Protein change: p.Trp1391Leu; replaces tryptophan 1391 with leucine.
Molecular consequence: missense variant.
Genome position (GRCh38, 1-based): chr15:33,652,747, G>T. VCF-style: chr15-33652747-G-T. GRCh37 (hg19) VCF-style: chr15-33944948-G-T.
Other names: c.4172G>T, p.Trp1391Leu (NM_001243996.4); short protein forms W1391L.
Identifiers: ClinVar variation 934225 (VCV000934225.9), dbSNP rs2062560335, ClinGen allele CA391578769.